The following is an entry in ClinVar:

NM_000256.3(MYBPC3):c.1223+2T>C

Gene: MYBPC3 (myosin binding protein C3; minus strand). Cytogenetic location: 11p11.2.
Variant type: single nucleotide variant.
Coding change: c.1223+2T>C on transcript NM_000256.3 (MANE Select); the canonical splice donor site of the intron after coding-DNA position 1223, T replaced by C.
Molecular consequence: splice donor variant.
Genome position (GRCh38, 1-based): chr11:47,343,490, A>G on the plus strand (T>C on the coding strand, the complement: MYBPC3 is on the minus strand). VCF-style: chr11-47343490-A-G. GRCh37 (hg19) VCF-style: chr11-47365041-A-G.
Identifiers: ClinVar variation 843383 (VCV000843383.11), dbSNP rs730880641, ClinGen allele CA380328408.

ClinVar aggregate classification (germline): Pathogenic. Review status: criteria provided, multiple submitters, no conflicts (2 of 4 stars). 2 submissions from 2 submitters: Pathogenic (2). Last evaluated 2023-06-02.

Conditions:
Hypertrophic cardiomyopathy. Also called: HYPERTROPHIC MYOCARDIOPATHY. Identifiers: Orphanet 217569, MedGen C0007194, MeSH D002312, MONDO:0005045, HP:0001639.
Hypertrophic cardiomyopathy 4. Also called: Familial hypertrophic cardiomyopathy 4. Identifiers: MedGen C1861862, MONDO:0007268, OMIM 115197.

Submissions (2):

Labcorp Genetics (formerly Invitae), Labcorp
Classification: Pathogenic for Hypertrophic cardiomyopathy. Last evaluated: 2023-06-02. Review status: criteria provided, single submitter. Criteria: Invitae Variant Classification Sherloc (09022015). Collection method: clinical testing. Allele origin: germline.
Comment: For these reasons, this variant has been classified as Pathogenic. Algorithms developed to predict the effect of sequence changes on RNA splicing suggest that this variant may disrupt the consensus splice site. ClinVar contains an entry for this variant (Variation ID: 843383). Disruption of this splice site has been observed in individuals with hypertrophic cardiomyopathy (PMID: 20624503, 27532257; Invitae). This variant is not present in population databases (gnomAD no frequency). This sequence change affects a donor splice site in intron 13 of the MYBPC3 gene. It is expected to disrupt RNA splicing. Variants that disrupt the donor or acceptor splice site typically lead to a loss of protein function (PMID: 16199547), and loss-of-function variants in MYBPC3 are known to be pathogenic (PMID: 19574547).

Victorian Clinical Genetics Services, Murdoch Childrens Research Institute
Classification: Pathogenic for Hypertrophic cardiomyopathy 4. Last evaluated: 2022-03-31. Review status: criteria provided, single submitter. Criteria: ACMG Guidelines, 2015. Collection method: clinical testing. Allele origin: germline. Affected: yes.
Comment: Based on the classification scheme VCGS_Germline_v1.3.4, this variant is classified as Pathogenic. Following criteria are met: 0102 - Loss of function is a known mechanism of disease in this gene and is associated with hypertrophic cardiomyopathy 4 (HCM; MIM#115197). (I) 0108 - This gene is associated with both recessive and dominant disease. Dominant inheritance is frequently reported in adult onset conditions, however recessive inheritance results in a more severe early onset phenotype (OMIM). (I) 0115 - Variants in this gene are known to have variable expressivity (PMID: 32841044). (I) 0211 - Canonical splice site variant without proven consequence on splicing (no functional evidence available). (SP) 0251 - This variant is heterozygous. (I) 0301 - Variant is absent from gnomAD (both v2 and v3). (SP) 0311 - An alternative nucleotide change at the same canonical splice site is present in gnomAD (v2) (51 heterozygotes, 0 homozygotes), however, the quality of the data is questionable. (I) 0505 - Abnormal splicing is predicted by a single in silico tool and affected nucleotide is highly conserved. (I) 0701 - Other canonical splice variants comparable to the one identified in this case have very strong previous evidence for pathogenicity. These alternative changes, c.1223+2T>G, c.1223+1G>T, c.1223+1G>C and c.1223+1G>A, have been reported as pathogenic and likely pathogenic, and observed in individuals with hypertrophic cardiomyopathy (HCM) (ClinVar, LOVD, PMID: 18258667, PMID: 20624503, PMID: 29497013). (SP) 0803 - This variant has limited previous evidence of pathogenicity in unrelated individuals. This variant has been reported as pathogenic, and observed in an individual with HCM (ClinVar, LOVD,, PMID: 27532257). (SP) 0905 - No published segregation evidence has been identified for this variant. (I) 1007 - No published functional evidence has been identified for this variant. (I) 1208 - Inheritance information for this variant is not currently available in this individual. (I) Legend: (SP) - Supporting pathogenic, (I) - Information, (SB) - Supporting benign

Literature cited by the submitters: PubMed 20624503 (cited by Labcorp Genetics (formerly Invitae), Labcorp and Victorian Clinical Genetics Services, Murdoch Childrens Research Institute); PubMed 27532257 (cited by Labcorp Genetics (formerly Invitae), Labcorp and Victorian Clinical Genetics Services, Murdoch Childrens Research Institute); PubMed 16199547 (cited by Labcorp Genetics (formerly Invitae), Labcorp); PubMed 19574547 (cited by Labcorp Genetics (formerly Invitae), Labcorp); PubMed 18258667 (cited by Victorian Clinical Genetics Services, Murdoch Childrens Research Institute); PubMed 29497013 (cited by Victorian Clinical Genetics Services, Murdoch Childrens Research Institute); PubMed 32841044 (cited by Victorian Clinical Genetics Services, Murdoch Childrens Research Institute).